The following is an entry in ClinVar:

ClinVar aggregate classification (germline): Pathogenic (1 of 4 stars; one submission).

Submission:

Quest Diagnostics Nichols Institute San Juan Capistrano
Classification: Pathogenic. Last evaluated: 2022-10-10. Review status: criteria provided, single submitter. Criteria: ACMG/ClinGen CNV Guidelines, 2019. Collection method: clinical testing. Allele origin: unknown.
Comment: This copy number loss involves multiple genes, and is associated with the 1q21.1 deletion syndrome (OMIM 612474). Inheritance from a normal or mildly affected parent has been reported, suggesting incomplete penetrance and variable expressivity. See GeneReviews for additional information and references.

GRCh37/hg19 1q21.1-21.2(chr1:145311525-147509544)x1

Genes: ACP6 (acid phosphatase 6, lysophosphatidic; minus strand), ANKRD34A (ankyrin repeat domain 34A; minus strand), ANKRD35 (ankyrin repeat domain 35; minus strand), BCL9 (BCL9 transcription coactivator; plus strand), CD160 (CD160 molecule; plus strand) and 22 more. Cytogenetic location: 1q21.1-21.2.
Variant type: copy number loss.
Change: copy number 1 (one copy instead of two) of chr1:145,311,525-147,509,544 (2.20 Mb, GRCh37 coordinates, 1-based), cytogenetic band 1q21.1-21.2.
Identifiers: ClinVar variation 2685599 (VCV002685599.1).